The following is an entry in ClinVar:

ClinVar aggregate classification (germline): Uncertain significance. Review status: criteria provided, multiple submitters, no conflicts (2 of 4 stars). 5 submissions from 5 submitters: Uncertain significance (5). Last evaluated 2025-08-30.

Conditions:
ATM-related disorder. Also called: ATM-related disorders; ATM-related condition.
Hereditary cancer-predisposing syndrome. Also called: Neoplastic Syndromes, Hereditary; Hereditary Cancer Syndrome; Tumor predisposition; Hereditary neoplastic syndrome. Identifiers: Orphanet 140162, MedGen C0027672, MeSH D009386, MONDO:0015356.
Ataxia-telangiectasia syndrome (AT). Also called: LOUIS-BAR SYNDROME; Cerebello-oculocutaneous telangiectasia; Immunodeficiency with ataxia telangiectasia; Ataxia-telangiectasia, complementation group D; AT, COMPLEMENTATION GROUP C; Ataxia-telangiectasia, complementation group E. Identifiers: Orphanet 100, MedGen C0004135, MONDO:0008840, OMIM 208900.

Allele frequency attached by ClinVar (database versions not stated): gnomAD 0.00001; gnomAD exomes below 0.00001.
gnomAD v4.1: 2 of 1,613,858 alleles (0.00012%); highest among the groups gnomAD compares: African/African-American, 0.0013%; no homozygotes.

Submissions (5):

Labcorp Genetics (formerly Invitae), Labcorp
Classification: Uncertain significance for Ataxia-telangiectasia syndrome. Last evaluated: 2025-08-30. Review status: criteria provided, single submitter. Criteria: Invitae Variant Classification Sherloc (09022015). Collection method: clinical testing. Allele origin: germline.
Comment: This sequence change replaces leucine, which is neutral and non-polar, with valine, which is neutral and non-polar, at codon 2563 of the ATM protein (p.Leu2563Val). This variant is present in population databases (no rsID available, gnomAD 0.0009%). This variant has not been reported in the literature in individuals affected with ATM-related conditions. ClinVar contains an entry for this variant (Variation ID: 453699). Invitae Evidence Modeling of protein sequence and biophysical properties (such as structural, functional, and spatial information, amino acid conservation, physicochemical variation, residue mobility, and thermodynamic stability) has been performed for this missense variant. However, the output from this modeling did not meet the statistical confidence thresholds required to predict the impact of this variant on ATM protein function. In summary, the available evidence is currently insufficient to determine the role of this variant in disease. Therefore, it has been classified as a Variant of Uncertain Significance.

GeneDx
Classification: Uncertain significance. Last evaluated: 2025-01-23. Review status: criteria provided, single submitter. Criteria: GeneDx Variant Classification Process June 2021. Collection method: clinical testing. Allele origin: germline. Affected: yes.
Comment: Not observed at significant frequency in large population cohorts (gnomAD); In silico analysis supports that this missense variant has a deleterious effect on protein structure/function; Has not been previously published as pathogenic or benign to our knowledge; This variant is associated with the following publications: (PMID: 23532176)

Ambry Genetics
Classification: Uncertain significance for Hereditary cancer-predisposing syndrome. Last evaluated: 2024-08-06. Review status: criteria provided, single submitter. Criteria: Ambry Variant Classification Scheme 2023. Collection method: clinical testing. Allele origin: germline.
Comment: The p.L2563V variant (also known as c.7687T>G), located in coding exon 51 of the ATM gene, results from a T to G substitution at nucleotide position 7687. The leucine at codon 2563 is replaced by valine, an amino acid with highly similar properties. This amino acid position is highly conserved in available vertebrate species. In addition, the in silico prediction for this alteration is inconclusive. Based on the available evidence, the clinical significance of this variant remains unclear.

Color Diagnostics, LLC DBA Color Health
Classification: Uncertain significance for Hereditary cancer-predisposing syndrome. Last evaluated: 2023-12-05. Review status: criteria provided, single submitter. Criteria: ACMG Guidelines, 2015. Collection method: clinical testing. Allele origin: germline.
Comment: This missense variant replaces leucine with valine at codon 2563 of the ATM protein. Computational prediction is inconclusive regarding the impact of this variant on protein structure and function (internally defined REVEL score threshold 0.5 < inconclusive < 0.7, PMID: 27666373). To our knowledge, functional studies have not been reported for this variant. This variant has not been reported in individuals affected with ATM-related disorders in the literature. This variant has been identified in 1/251218 chromosomes in the general population by the Genome Aggregation Database (gnomAD). The available evidence is insufficient to determine the role of this variant in disease conclusively. Therefore, this variant is classified as a Variant of Uncertain Significance.

PreventionGenetics, part of Exact Sciences
Classification: Uncertain significance for ATM-related condition. Last evaluated: 2023-06-22. Review status: criteria provided, single submitter. Criteria: ACMG Guidelines, 2015. Collection method: clinical testing. Allele origin: germline.
Comment: The ATM c.7687T>G variant is predicted to result in the amino acid substitution p.Leu2563Val. To our knowledge, this variant has not been reported in the literature. This variant is reported in 0.00088% of alleles in individuals of European (Non-Finnish) descent in gnomAD and is listed in ClinVar as uncertain. At this time, the clinical significance of this variant is uncertain due to the absence of conclusive functional and genetic evidence.

NM_000051.4(ATM):c.7687T>G (p.Leu2563Val)

Genes: C11orf65 (chromosome 11 open reading frame 65; minus strand), ATM (ATM serine/threonine kinase; plus strand). Cytogenetic location: 11q22.3.
Variant type: single nucleotide variant.
Coding change: c.7687T>G on transcript NM_000051.4 (MANE Select); coding-DNA position 7687, T replaced by G.
Protein change: p.Leu2563Val; replaces leucine 2563 with valine.
Molecular consequence: missense variant. On other transcripts: intron variant (2).
Genome position (GRCh38, 1-based): chr11:108,331,936, T>G. VCF-style: chr11-108331936-T-G. GRCh37 (hg19) VCF-style: chr11-108202663-T-G.
Other names: c.7687T>G, p.Leu2563Val (NM_001351834.2); c.641-22865A>C (NM_001330368.2); c.*38+3284A>C (NM_001351110.2); short protein forms L2563V.
Identifiers: ClinVar variation 453699 (VCV000453699.18), dbSNP rs1208002418, ClinGen allele CA382561008.